The following is an entry in ClinVar:

ClinVar aggregate classification (germline): Pathogenic (1 of 4 stars; one submission).

Conditions:
Autosomal dominant hypocalcemia 1 (HYPOC1). Also called: HYPOCALCEMIA, FAMILIAL. Identifiers: MedGen C3715128, MONDO:0011013, OMIM 601198.
Familial hypocalciuric hypercalcemia (FHH). Also called: Familial benign hypercalcemia. Identifiers: Orphanet 405, MedGen C1809471, MONDO:0018458.

Submission:

Labcorp Genetics (formerly Invitae), Labcorp
Classification: Pathogenic for Familial hypocalciuric hypercalcemia; Autosomal dominant hypocalcemia 1. Last evaluated: 2024-02-29. Review status: criteria provided, single submitter. Criteria: Invitae Variant Classification Sherloc (09022015). Collection method: clinical testing. Allele origin: germline.
Comment: This sequence change creates a premature translational stop signal (p.Leu112Argfs*12) in the CASR gene. It is expected to result in an absent or disrupted protein product. Loss-of-function variants in CASR are known to be pathogenic (PMID: 11807402, 14985373, 22422767). This variant is not present in population databases (gnomAD no frequency). This variant has not been reported in the literature in individuals affected with CASR-related conditions. For these reasons, this variant has been classified as Pathogenic.

Literature cited by the submitters: PubMed 11807402; PubMed 14985373; PubMed 22422767.

NM_000388.4(CASR):c.335del (p.Leu112fs)

Gene: CASR (calcium sensing receptor; plus strand). Cytogenetic location: 3q21.1.
Variant type: Deletion.
Coding change: c.335del on transcript NM_000388.4 (MANE Select); coding-DNA position 335, one base deleted (T; older notation c.335delT).
Protein change: p.Leu112fs; shifts the reading frame from leucine 112.
Molecular consequence: frameshift variant.
Genome position (GRCh38, 1-based): chr3:122,257,230, T deleted. VCF-style (leftmost placement, unchanged base first): chr3-122257229-CT-C. GRCh37 (hg19) VCF-style: chr3-121976076-CT-C.
Other names: c.335del, p.Leu112fs (NM_001178065.2); short protein forms L112fs.
Identifiers: ClinVar variation 3754997 (VCV003754997.2).